The following is an entry in ClinVar:

ClinVar aggregate classification (germline): Benign/Likely benign. Review status: criteria provided, multiple submitters, no conflicts (2 of 4 stars). 7 submissions from 7 submitters: Benign (1); Likely benign (6). Last evaluated 2026-01-26.

Conditions:
Breast and/or ovarian cancer. Identifiers: MedGen CN221562.
Hereditary cancer-predisposing syndrome. Also called: Hereditary neoplastic syndrome; Tumor predisposition; Neoplastic Syndromes, Hereditary; Hereditary Cancer Syndrome. Identifiers: Orphanet 140162, MedGen C0027672, MeSH D009386, MONDO:0015356.
Hereditary diffuse gastric adenocarcinoma (HDGC). Also called: DIFFUSE GASTRIC AND LOBULAR BREAST CANCER SYNDROME. Identifiers: Orphanet 26106, MedGen C1708349, MONDO:0007648, OMIM 137215.

Allele frequency attached by ClinVar (database versions not stated): gnomAD 0.00001; gnomAD exomes 0.00001; TOPMed 0.00001.
gnomAD v4.1: 9 of 1,614,170 alleles (0.00056%); highest among the groups gnomAD compares: East Asian, 0.0022%; no homozygotes.

Submissions (7):

Labcorp Genetics (formerly Invitae), Labcorp
Classification: Likely benign for Hereditary diffuse gastric adenocarcinoma. Last evaluated: 2026-01-26. Review status: criteria provided, single submitter. Criteria: Invitae Variant Classification Sherloc (09022015). Collection method: clinical testing. Allele origin: germline.

Women's Health and Genetics/Laboratory Corporation of America, LabCorp
Classification: Likely benign. Last evaluated: 2025-12-25. Review status: criteria provided, single submitter. Criteria: LabCorp Variant Classification Summary - May 2015. Collection method: clinical testing. Allele origin: germline.

Ambry Genetics
Classification: Likely benign for Hereditary cancer-predisposing syndrome. Last evaluated: 2025-04-10. Review status: criteria provided, single submitter. Criteria: Ambry Variant Classification Scheme 2023. Collection method: clinical testing. Allele origin: germline.

Myriad Genetics, Inc.
Classification: Benign for Hereditary diffuse gastric adenocarcinoma. Last evaluated: 2024-09-17. Review status: criteria provided, single submitter. Criteria: Myriad Autosomal Dominant, Autosomal Recessive and X-Linked Classification Criteria (2023). Collection method: clinical testing. Allele origin: unknown.
Comment: This variant is considered benign. This variant is a silent/synonymous amino acid change and it is not expected to impact splicing.

Color Diagnostics, LLC DBA Color Health
Classification: Likely benign for Hereditary cancer-predisposing syndrome. Last evaluated: 2020-11-23. Review status: criteria provided, single submitter. Criteria: ACMG Guidelines, 2015. Collection method: clinical testing. Allele origin: germline.

CHEO Genetics Diagnostic Laboratory, Children's Hospital of Eastern Ontario
Classification: Likely benign for Breast and/or ovarian cancer. Last evaluated: 2020-11-06. Review status: criteria provided, single submitter. Criteria: ACMG Guidelines, 2015. Collection method: clinical testing. Allele origin: germline.

GeneDx
Classification: Likely benign. Last evaluated: 2018-01-10. Review status: criteria provided, single submitter. Criteria: GeneDx Variant Classification (06012015). Collection method: clinical testing. Allele origin: germline. Affected: yes.
Comment: This variant is considered likely benign or benign based on one or more of the following criteria: it is a conservative change, it occurs at a poorly conserved position in the protein, it is predicted to be benign by multiple in silico algorithms, and/or has population frequency not consistent with disease.

NM_004360.5(CDH1):c.1047C>T (p.Asp349=)

Gene: CDH1 (cadherin 1; plus strand). Cytogenetic location: 16q22.1.
Variant type: single nucleotide variant.
Coding change: c.1047C>T on transcript NM_004360.5 (MANE Select); coding-DNA position 1047, C replaced by T.
Protein change: p.Asp349=; no amino-acid change (aspartic acid 349 retained).
Molecular consequence: synonymous variant. On other transcripts: 5 prime UTR variant (2).
Genome position (GRCh38, 1-based): chr16:68,812,173, C>T. VCF-style: chr16-68812173-C-T. GRCh37 (hg19) VCF-style: chr16-68846076-C-T.
Other names: c.1047C>T (LRG_301t1); c.1047C>T, p.Asp349= (NM_001317184.2); c.-569C>T (NM_001317185.2); c.-773C>T (NM_001317186.2).
Identifiers: ClinVar variation 380324 (VCV000380324.22), dbSNP rs929343982, ClinGen allele CA16607359.